The following is an entry in ClinVar:

ClinVar aggregate classification (germline): Uncertain significance (1 of 4 stars; one submission).

Conditions:
Generalized epilepsy-paroxysmal dyskinesia syndrome (PNKD3). Also called: Generalized epilepsy and paroxysmal dyskinesia; Paroxysmal nonkinesigenic dyskinesia, 3, with or without generalized epilepsy. Identifiers: Orphanet 79137, MedGen C5574945, MONDO:0012276, OMIM 609446.

Submission:

Labcorp Genetics (formerly Invitae), Labcorp
Classification: Uncertain significance for Generalized epilepsy-paroxysmal dyskinesia syndrome. Last evaluated: 2024-02-11. Review status: criteria provided, single submitter. Criteria: Invitae Variant Classification Sherloc (09022015). Collection method: clinical testing. Allele origin: germline.
Comment: This sequence change replaces asparagine, which is neutral and polar, with histidine, which is basic and polar, at codon 132 of the KCNMA1 protein (p.Asn132His). This variant is not present in population databases (gnomAD no frequency). This variant has not been reported in the literature in individuals affected with KCNMA1-related conditions. An algorithm developed to predict the effect of missense changes on protein structure and function (PolyPhen-2) suggests that this variant is likely to be disruptive. In summary, the available evidence is currently insufficient to determine the role of this variant in disease. Therefore, it has been classified as a Variant of Uncertain Significance.

NM_001161352.2(KCNMA1):c.394A>C (p.Asn132His)

Gene: KCNMA1 (potassium calcium-activated channel subfamily M alpha 1; minus strand). Cytogenetic location: 10q22.3.
Variant type: single nucleotide variant.
Coding change: c.394A>C on transcript NM_001161352.2 (MANE Select); coding-DNA position 394, A replaced by C.
Protein change: p.Asn132His; replaces asparagine 132 with histidine.
Molecular consequence: missense variant. On other transcripts: intron variant (1).
Genome position (GRCh38, 1-based): chr10:77,404,008, T>G on the plus strand (A>C on the coding strand, the complement: KCNMA1 is on the minus strand). VCF-style: chr10-77404008-T-G. GRCh37 (hg19) VCF-style: chr10-79163766-T-G.
Other names: c.394A>C, p.Asn132His (NM_001014797.3, NM_001161353.2, NM_001271519.2 and 8 more transcripts); c.379-152752A>C (NM_001271518.2); short protein forms N132H.
Identifiers: ClinVar variation 3712743 (VCV003712743.2).